The following is an entry in ClinVar:

NM_000138.5(FBN1):c.6500_6501insCTGGTTTCT (p.Thr2167_Asp2168insTrpPheLeu)

Gene: FBN1 (fibrillin 1; minus strand). Cytogenetic location: 15q21.1.
Variant type: Insertion.
Coding change: c.6500_6501insCTGGTTTCT on transcript NM_000138.5 (MANE Select); coding-DNA positions 6500 to 6501, CTGGTTTCT inserted.
Protein change: p.Thr2167_Asp2168insTrpPheLeu.
Molecular consequence: inframe insertion.
Genome position: GRCh38 VCF-style: chr15-48434709-A-AAGAAACCAG. GRCh37 (hg19) VCF-style: chr15-48726906-A-AAGAAACCAG.
Other names: c.6500_6501insCTGGTTTCT, p.Thr2167_Asp2168insTrpPheLeu (NM_001406716.1).
Identifiers: ClinVar variation 2954139 (VCV002954139.3), dbSNP rs2505429693, ClinGen allele CA2740096619.

ClinVar aggregate classification (germline): Uncertain significance (1 of 4 stars; one submission).

Conditions:
Marfan syndrome (MFS). Also called: MARFAN SYNDROME, TYPE I; Marfan syndrome type 1; Marfan's syndrome; Marfan syndrome, classic; FBN1-Related Marfan Syndrome. Identifiers: Orphanet 284963, Orphanet 558, MedGen C0024796, MONDO:0007947, OMIM 154700.
Familial thoracic aortic aneurysm and aortic dissection (TAAD). Also called: Thoracic aortic aneurysms and dissections. Identifiers: Orphanet 91387, MedGen C4707243, MONDO:0019625.

Submission:

Labcorp Genetics (formerly Invitae), Labcorp
Classification: Uncertain significance for Marfan syndrome; Familial thoracic aortic aneurysm and aortic dissection. Last evaluated: 2023-11-24. Review status: criteria provided, single submitter. Criteria: Invitae Variant Classification Sherloc (09022015). Collection method: clinical testing. Allele origin: germline.
Comment: This variant, c.6500_6501insCTGGTTTCT, results in the insertion of 3 amino acid(s) of the FBN1 protein (p.Thr2167_Asp2168insTrpPheLeu), but otherwise preserves the integrity of the reading frame. This variant is not present in population databases (gnomAD no frequency). This variant has been observed in individual(s) with clinical features of FBN1-related conditions (Invitae). Experimental studies and prediction algorithms are not available or were not evaluated, and the functional significance of this variant is currently unknown. In summary, the available evidence is currently insufficient to determine the role of this variant in disease. Therefore, it has been classified as a Variant of Uncertain Significance.